The following is an entry in ClinVar:

NM_004448.4(ERBB2):c.3730G>A (p.Glu1244Lys)

Gene: ERBB2 (erb-b2 receptor tyrosine kinase 2; plus strand). Cytogenetic location: 17q12.
Variant type: single nucleotide variant.
Coding change: c.3730G>A on transcript NM_004448.4 (MANE Select); coding-DNA position 3730, G replaced by A.
Protein change: p.Glu1244Lys; replaces glutamic acid 1244 with lysine.
Molecular consequence: missense variant. On other transcripts: 3 prime UTR variant (2), non-coding transcript variant (1).
Genome position (GRCh38, 1-based): chr17:39,728,006, G>A. VCF-style: chr17-39728006-G-A. GRCh37 (hg19) VCF-style: chr17-37884259-G-A.
Other names: c.3640G>A, p.Glu1214Lys (NM_001005862.3, NM_001382782.1, NM_001382783.1); c.3685G>A, p.Glu1229Lys (NM_001289936.2); c.*309G>A (NM_001289937.2, NM_001382803.1); c.3847G>A, p.Glu1283Lys (NM_001382784.1); c.3832G>A, p.Glu1278Lys (NM_001382785.1); c.3811G>A, p.Glu1271Lys (NM_001382786.1); c.3805G>A, p.Glu1269Lys (NM_001382787.1); c.3574G>A, p.Glu1192Lys (NM_001382798.1); and 16 more; short protein forms E1184K, E1192K, E1211K, E1215K, E1229K, E1241K, E1243K, E1251K.
Identifiers: ClinVar variation 2896971 (VCV002896971.3), dbSNP rs144533600, ClinGen allele CA8534611.

ClinVar aggregate classification (germline): Uncertain significance (1 of 4 stars; one submission).

Allele frequency attached by ClinVar (database versions not stated): ExAC 0.00003; TOPMed 0.00005; gnomAD 0.00007; 1000 Genomes Project 30x 0.00016; 1000 Genomes Project 0.00020.
gnomAD v4.1: 17 of 1,609,060 alleles (0.0011%); highest among the groups gnomAD compares: African/African-American, 0.015%; no homozygotes.

Submission:

Labcorp Genetics (formerly Invitae), Labcorp
Classification: Uncertain significance. Last evaluated: 2023-03-14. Review status: criteria provided, single submitter. Criteria: Invitae Variant Classification Sherloc (09022015). Collection method: clinical testing. Allele origin: germline.
Comment: In summary, the available evidence is currently insufficient to determine the role of this variant in disease. Therefore, it has been classified as a Variant of Uncertain Significance. An algorithm developed to predict the effect of missense changes on protein structure and function (PolyPhen-2) suggests that this variant is likely to be disruptive. This variant has not been reported in the literature in individuals affected with ERBB2-related conditions. This variant is present in population databases (rs144533600, gnomAD 0.03%). This sequence change replaces glutamic acid, which is acidic and polar, with lysine, which is basic and polar, at codon 1244 of the ERBB2 protein (p.Glu1244Lys).